The following is an entry in ClinVar:

ClinVar aggregate classification (germline): Uncertain significance. Review status: criteria provided, multiple submitters, no conflicts (2 of 4 stars). 2 submissions from 2 submitters: Uncertain significance (2). Last evaluated 2025-04-22.

Conditions:
KIDINS220-related disorder. Also called: KIDINS220-related condition.

Submissions (2):

PreventionGenetics, part of Exact Sciences
Classification: Uncertain significance for KIDINS220-related condition. Last evaluated: 2025-04-22. Review status: criteria provided, single submitter. Criteria: ACMG Guidelines, 2015. Collection method: clinical testing. Allele origin: germline.
Comment: The KIDINS220 c.5047G>A variant is predicted to result in the amino acid substitution p.Val1683Met. To our knowledge, this variant has not been reported in the literature. This variant is reported in 0.0056% of alleles in individuals of East Asian descent in gnomAD. At this time, the clinical significance of this variant is uncertain due to the absence of conclusive functional and genetic evidence.

Labcorp Genetics (formerly Invitae), Labcorp
Classification: Uncertain significance. Last evaluated: 2024-05-22. Review status: criteria provided, single submitter. Criteria: Invitae Variant Classification Sherloc (09022015). Collection method: clinical testing. Allele origin: germline.
Comment: This sequence change replaces valine, which is neutral and non-polar, with methionine, which is neutral and non-polar, at codon 1683 of the KIDINS220 protein (p.Val1683Met). This variant is present in population databases (rs367740187, gnomAD 0.006%). This variant has not been reported in the literature in individuals affected with KIDINS220-related conditions. Algorithms developed to predict the effect of missense changes on protein structure and function output the following: SIFT: "Not Available"; PolyPhen-2: "Benign"; Align-GVGD: "Not Available". The methionine amino acid residue is found in multiple mammalian species, which suggests that this missense change does not adversely affect protein function. In summary, the available evidence is currently insufficient to determine the role of this variant in disease. Therefore, it has been classified as a Variant of Uncertain Significance.

NM_020738.4(KIDINS220):c.5047G>A (p.Val1683Met)

Gene: KIDINS220 (kinase D interacting substrate 220; minus strand). Cytogenetic location: 2p25.1.
Variant type: single nucleotide variant.
Coding change: c.5047G>A on transcript NM_020738.4 (MANE Select); coding-DNA position 5047, G replaced by A.
Protein change: p.Val1683Met; replaces valine 1683 with methionine.
Molecular consequence: missense variant. On other transcripts: intron variant (6).
Genome position (GRCh38, 1-based): chr2:8,730,989, C>T on the plus strand (G>A on the coding strand, the complement: KIDINS220 is on the minus strand). VCF-style: chr2-8730989-C-T. GRCh37 (hg19) VCF-style: chr2-8871119-C-T.
Other names: c.5047G>A (NM_020738.2); c.5050G>A, p.Val1684Met (NM_001348729.2); c.4993G>A, p.Val1665Met (NM_001348731.2); c.4990G>A, p.Val1664Met (NM_001348732.2); c.4879G>A, p.Val1627Met (NM_001348734.2); c.4876G>A, p.Val1626Met (NM_001348735.2); c.4750G>A, p.Val1584Met (NM_001348736.2); c.3882+2455G>A (NM_001348741.2, NM_001348742.2, NM_001348743.2); and 2 more; short protein forms V1665M, V1684M, V1584M, V1626M, V1627M, V1664M, V1683M.
Identifiers: ClinVar variation 3712387 (VCV003712387.3).